The following is an entry in ClinVar:

ClinVar aggregate classification (germline): Pathogenic (0 of 4 stars; one submission).

Conditions:
Alkaptonuria (AKU). Also called: Alkaptonuric ochronosis; Homogentisic acidura; Alcaptonuria; HOMOGENTISIC ACID OXIDASE DEFICIENCY. Identifiers: Orphanet 56, MedGen C0002066, MONDO:0008753, OMIM 203500.

Submission:

Department Of Human Genetics, Institute Of Clinical And Translational Research, Biomedical Research Center, Slovak Academy Of Sciences
Classification: Pathogenic for Alkaptonuria. Review status: no assertion criteria provided. Collection method: research. Allele origin: germline. Inheritance: Autosomal recessive inheritance. Affected: yes. Observed: 6 variant alleles.
Comment: The variant was originally described in AKU patient in PMID:23430897. It has been submitted to the HGD gene mutation database (DB-ID: AKU_00070).

Literature cited by the submitters: PubMed 23430897.

NM_000187.4(HGD):c.656A>G (p.Asn219Ser)

Gene: HGD (homogentisate 1,2-dioxygenase; minus strand). Cytogenetic location: 3q13.33.
Variant type: single nucleotide variant.
Coding change: c.656A>G on transcript NM_000187.4 (MANE Select); coding-DNA position 656, A replaced by G.
Protein change: p.Asn219Ser; replaces asparagine 219 with serine.
Molecular consequence: missense variant.
Genome position (GRCh38, 1-based): chr3:120,644,437, T>C on the plus strand (A>G on the coding strand, the complement: HGD is on the minus strand). VCF-style: chr3-120644437-T-C. GRCh37 (hg19) VCF-style: chr3-120363284-T-C.
Other names: short protein forms N219S.
Identifiers: ClinVar variation 2627684 (VCV002627684.1), dbSNP rs2472690374, ClinGen allele CA354075591.